The following is an entry in ClinVar:

NM_198271.5(LMOD3):c.370A>G (p.Asn124Asp)

Gene: LMOD3 (leiomodin 3; minus strand). Cytogenetic location: 3p14.1.
Variant type: single nucleotide variant.
Coding change: c.370A>G on transcript NM_198271.5 (MANE Select); coding-DNA position 370, A replaced by G.
Protein change: p.Asn124Asp; replaces asparagine 124 with aspartic acid.
Molecular consequence: missense variant.
Genome position (GRCh38, 1-based): chr3:69,119,985, T>C on the plus strand (A>G on the coding strand, the complement: LMOD3 is on the minus strand). VCF-style: chr3-69119985-T-C. GRCh37 (hg19) VCF-style: chr3-69169136-T-C.
Other names: c.370A>G, p.Asn124Asp (NM_001304418.3); short protein forms N124D.
Identifiers: ClinVar variation 2078707 (VCV002078707.4), dbSNP rs2471249693, ClinGen allele CA353477142.

ClinVar aggregate classification (germline): Uncertain significance (1 of 4 stars; one submission).

Conditions:
Nemaline myopathy 10 (NEM10). Identifiers: MedGen C4015360, MONDO:0014513, OMIM 616165.

Allele frequency attached by ClinVar (database versions not stated): gnomAD exomes below 0.00001.
gnomAD v4.1: 1 of 1,603,666 alleles (0.000062%); highest among the groups gnomAD compares: Non-Finnish European, 0.000085%; no homozygotes.

Submission:

Labcorp Genetics (formerly Invitae), Labcorp
Classification: Uncertain significance for Nemaline myopathy 10. Last evaluated: 2025-03-04. Review status: criteria provided, single submitter. Criteria: Invitae Variant Classification Sherloc (09022015). Collection method: clinical testing. Allele origin: germline.
Comment: This sequence change replaces asparagine, which is neutral and polar, with aspartic acid, which is acidic and polar, at codon 124 of the LMOD3 protein (p.Asn124Asp). This variant is not present in population databases (gnomAD no frequency). This variant has not been reported in the literature in individuals affected with LMOD3-related conditions. ClinVar contains an entry for this variant (Variation ID: 2078707). An algorithm developed to predict the effect of missense changes on protein structure and function (PolyPhen-2) suggests that this variant is likely to be tolerated. In summary, the available evidence is currently insufficient to determine the role of this variant in disease. Therefore, it has been classified as a Variant of Uncertain Significance.